The following is an entry in ClinVar:

NM_000540.3(RYR1):c.6790G>A (p.Gly2264Ser)

Gene: RYR1 (ryanodine receptor 1; plus strand). Cytogenetic location: 19q13.2.
Variant type: single nucleotide variant.
Coding change: c.6790G>A on transcript NM_000540.3 (MANE Select); coding-DNA position 6790, G replaced by A.
Protein change: p.Gly2264Ser; replaces glycine 2264 with serine.
Molecular consequence: missense variant.
Genome position (GRCh38, 1-based): chr19:38,496,535, G>A. VCF-style: chr19-38496535-G-A. GRCh37 (hg19) VCF-style: chr19-38987175-G-A.
Other names: c.6790G>A, p.Gly2264Ser (NM_001042723.2); c.6790G>A (NM_000540.2); short protein forms G2264S.
Identifiers: ClinVar variation 493257 (VCV000493257.46), dbSNP rs1372408402, ClinGen allele CA405666428.

ClinVar aggregate classification (germline): Uncertain significance. Review status: criteria provided, multiple submitters, no conflicts (2 of 4 stars). 4 submissions from 4 submitters: Uncertain significance (3). 1 of the submissions does not count toward it. Last evaluated 2024-01-31.

Conditions:
Malignant hyperthermia, susceptibility to, 1 (MHS1). Also called: Malignant hyperthermia suceptibility 1; Anesthesia related hyperthermia; Malignant hyperpyrexia; Fulminating hyperpyrexia; Pharmacogenic myopathy; RYR1-Related Malignant Hyperthermia Susceptibility. Identifiers: Orphanet 423, MedGen C2930980, MONDO:0007783, OMIM 145600.
RYR1-related disorder. Also called: RYR1-related condition; RYR1-related disorders. Identifiers: MedGen CN239331.

Allele frequency attached by ClinVar (database versions not stated): gnomAD 0.00001; gnomAD exomes 0.00001; TOPMed 0.00001.
gnomAD v4.1: 15 of 1,613,176 alleles (0.00093%); highest among the groups gnomAD compares: African/African-American, 0.004%; no homozygotes.

Submissions (4):

Color Diagnostics, LLC DBA Color Health
Classification: Uncertain significance for Malignant hyperthermia, susceptibility to, 1. Last evaluated: 2024-01-31. Review status: criteria provided, single submitter. Criteria: ACMG Guidelines, 2015. Collection method: clinical testing. Allele origin: germline.
Comment: This missense variant replaces glycine with serine at codon 2264 of the RYR1 protein. Computational prediction suggests that this variant may have deleterious impact on protein structure and function. To our knowledge, functional studies have not been reported for this variant. This variant has not been reported in individuals affected with RYR1-related disorders in the literature. This variant has not been identified in the general population by the Genome Aggregation Database (gnomAD). The available evidence is insufficient to determine the role of this variant in disease conclusively. Therefore, this variant is classified as a Variant of Uncertain Significance.

Labcorp Genetics (formerly Invitae), Labcorp
Classification: Uncertain significance for RYR1-related disorder. Last evaluated: 2021-08-11. Review status: criteria provided, single submitter. Criteria: Invitae Variant Classification Sherloc (09022015). Collection method: clinical testing. Allele origin: germline.
Comment: This sequence change replaces glycine with serine at codon 2264 of the RYR1 protein (p.Gly2264Ser). The glycine residue is highly conserved and there is a small physicochemical difference between glycine and serine. This variant is not present in population databases (ExAC no frequency). This variant has not been reported in the literature in individuals affected with RYR1-related conditions. ClinVar contains an entry for this variant (Variation ID: 493257). Algorithms developed to predict the effect of missense changes on protein structure and function are either unavailable or do not agree on the potential impact of this missense change (SIFT: "Deleterious"; PolyPhen-2: "Benign"; Align-GVGD: "Class C0"). In summary, the available evidence is currently insufficient to determine the role of this variant in disease. Therefore, it has been classified as a Variant of Uncertain Significance.

CeGaT Center for Human Genetics Tuebingen
Classification: Uncertain significance. Last evaluated: 2019-08-01. Review status: criteria provided, single submitter. Criteria: CeGaT Center For Human Genetics Tuebingen Variant Classification Criteria Version 2. Collection method: clinical testing. Allele origin: germline. Affected: yes. Observed: 2 variant alleles.

PreventionGenetics, part of Exact Sciences
Classification: Uncertain significance for RYR1-related condition. Last evaluated: 2024-08-16. Review status: no assertion criteria provided. Collection method: clinical testing. Allele origin: germline. Not counted in ClinVar's aggregate classification.
Comment: The RYR1 c.6790G>A variant is predicted to result in the amino acid substitution p.Gly2264Ser. To our knowledge, this variant has not been reported in the literature or in a large population database, indicating this variant is rare. At this time, the clinical significance of this variant is uncertain due to the absence of conclusive functional and genetic evidence.